The following is an entry in ClinVar:

ClinVar aggregate classification (germline): Likely pathogenic (1 of 4 stars; one submission).

Conditions:
Charcot-Marie-Tooth disease axonal type 2T. Identifiers: Orphanet 443950, MedGen C4015635, OMIM 617017, MONDO:0014866.
Spinocerebellar ataxia 43 (SCA43). Identifiers: Orphanet 497764, MedGen C4310763, MONDO:0014867, OMIM 617018.

Submission:

Juno Genomics, Hangzhou Juno Genomics, Inc
Classification: Likely pathogenic for Spinocerebellar ataxia 43; Charcot-Marie-Tooth disease axonal type 2T. Review status: criteria provided, single submitter. Criteria: ACMG Guidelines, 2015. Collection method: clinical testing. Allele origin: germline.
Comment: Null variant in a gene where loss of function (LOF) is a known mechanism of disease.;Absent from controls (or at extremely low frequency if recessive) in Genome Aggregation Database.

NM_007289.4(MME):c.1756del (p.Ile586fs)

Gene: MME (membrane metalloendopeptidase; plus strand). Cytogenetic location: 3q25.2.
Variant type: Deletion.
Coding change: c.1756del on transcript NM_007289.4 (MANE Select); coding-DNA position 1756, one base deleted (A; older notation c.1756delA).
Protein change: p.Ile586fs; shifts the reading frame from isoleucine 586.
Molecular consequence: frameshift variant.
Genome position (GRCh38, 1-based): chr3:155,166,997, A deleted; the last of 3 consecutive A bases (chr3:155,166,995-155,166,997); deleting any one gives the same sequence. VCF-style (leftmost placement, unchanged base first): chr3-155166994-GA-G. GRCh37 (hg19) VCF-style: chr3-154884783-GA-G.
Other names: c.1756del, p.Ile586fs (NM_000902.5, NM_001354642.2, NM_001354643.1 and 2 more transcripts); short protein forms I586fs.
Identifiers: ClinVar variation 5006570 (VCV005006570.2).